The following is an entry in ClinVar:

NM_001244008.2(KIF1A):c.3601C>T (p.Arg1201Cys)

Gene: KIF1A (kinesin family member 1A; minus strand). Cytogenetic location: 2q37.3.
Variant type: single nucleotide variant.
Coding change: c.3601C>T on transcript NM_001244008.2 (MANE Select); coding-DNA position 3601, C replaced by T.
Protein change: p.Arg1201Cys; replaces arginine 1201 with cysteine.
Molecular consequence: missense variant.
Genome position (GRCh38, 1-based): chr2:240,742,968, G>A on the plus strand (C>T on the coding strand, the complement: KIF1A is on the minus strand). VCF-style: chr2-240742968-G-A. GRCh37 (hg19) VCF-style: chr2-241682385-G-A.
Other names: c.3325C>T, p.Arg1109Cys (NM_001320705.2, NM_001330289.2, NM_001379638.1); c.3400C>T, p.Arg1134Cys (NM_001330290.2, NM_001379634.1, NM_001379635.1 and 1 more transcripts); c.3676C>T, p.Arg1226Cys (NM_001379631.1); c.3550C>T, p.Arg1184Cys (NM_001379632.1); c.3574C>T, p.Arg1192Cys (NM_001379633.1, NM_001379642.1, NM_001379645.1); c.3298C>T, p.Arg1100Cys (NM_001379636.1, NM_001379639.1, NM_001379641.1 and 5 more transcripts); c.3373C>T, p.Arg1125Cys (NM_001379637.1, NM_001379648.1); c.3295C>T, p.Arg1099Cys (NM_001379640.1); short protein forms R1099C, R1100C, R1109C, R1125C, R1134C, R1184C, R1192C, R1201C.
Identifiers: ClinVar variation 1055776 (VCV001055776.11), dbSNP rs752464745, ClinGen allele CA2207737.
Genomic context (GRCh38, chr2:240,742,968, plus strand): 5'-GGCTCCAGAGACCCTTCCTACCTGGCTTGGACAGTGGCATGACCCGAGGGAAGTGGCGGC[G>A]CGAGGGCCTCAGGGGGCTGTGGAGAAAGGACCAGTGTGAGGTGTTTGCGGGACCCTGGGC-3'
Protein context (NP_001230937.1, residues 1191-1211): KDVLSPLRPS[Arg1201Cys]RHFPRVMPLS

ClinVar aggregate classification (germline): Conflicting classifications of pathogenicity. Review status: criteria provided, conflicting classifications (1 of 4 stars). 3 submissions from 3 submitters: Uncertain significance (2); Likely benign (1). Last evaluated 2024-09-27.

Conditions:
Neuropathy, hereditary sensory, type 2C. Also called: Hereditary sensory and autonomic neuropathy type IIC; KIF1A-Related HSAN2 (HSAN2C). Identifiers: Orphanet 970, MedGen C3280168, MONDO:0013634, OMIM 614213.
Intellectual disability, autosomal dominant 9 (NESCAVS). Also called: KIF1A-Related Neurodevelopmental Disorder; NESCAV SYNDROME. Identifiers: Orphanet 662367, MedGen C5393830, MONDO:0013656, OMIM 614255.
Hereditary spastic paraplegia 30. Identifiers: Orphanet 101010, MedGen C5235139, MONDO:0012476.
Inborn genetic diseases. Identifiers: MedGen C0950123, MeSH D030342.

Allele frequency attached by ClinVar (database versions not stated): ExAC 0.00001; gnomAD 0.00002; gnomAD exomes 0.00003; TOPMed 0.00005.
gnomAD v4.1: 48 of 1,610,964 alleles (0.003%); highest among the groups gnomAD compares: Middle Eastern, 0.016%; no homozygotes.

Submissions (3):

Labcorp Genetics (formerly Invitae), Labcorp
Classification: Likely benign for Hereditary spastic paraplegia 30; Neuropathy, hereditary sensory, type 2C; Intellectual disability, autosomal dominant 9. Last evaluated: 2024-09-27. Review status: criteria provided, single submitter. Criteria: Invitae Variant Classification Sherloc (09022015). Collection method: clinical testing. Allele origin: germline.

GeneDx
Classification: Uncertain significance. Last evaluated: 2023-11-14. Review status: criteria provided, single submitter. Criteria: GeneDx Variant Classification Process June 2021. Collection method: clinical testing. Allele origin: germline. Affected: yes.
Comment: Published functional studies suggest a damaging effect as R1100C influences RAB3A and VAMP2 cargos binding, but the effect of the variant on neuronal function is unclear. (PMID: 36284339); Observed in individual with Amyotrophic Lateral Sclerosis (ALS); however, no further information was provided (PMID: 36284339); In silico analysis supports that this missense variant has a deleterious effect on protein structure/function; This variant is associated with the following publications: (PMID: 36284339)

Ambry Genetics
Classification: Uncertain significance for Inborn genetic diseases. Last evaluated: 2020-06-25. Review status: criteria provided, single submitter. Criteria: Ambry Variant Classification Scheme 2023. Collection method: clinical testing. Allele origin: germline.
Comment: The p.R1201C variant (also known as c.3601C>T), located in coding exon 33 of the KIF1A gene, results from a C to T substitution at nucleotide position 3601. The arginine at codon 1201 is replaced by cysteine, an amino acid with highly dissimilar properties. This amino acid position is highly conserved in available vertebrate species. In addition, the in silico prediction for this alteration is inconclusive. Since supporting evidence is limited at this time, the clinical significance of this alteration remains unclear.